The following is an entry in ClinVar:

ClinVar aggregate classification (germline): Uncertain significance (1 of 4 stars; one submission).

Submission:

Labcorp Genetics (formerly Invitae), Labcorp
Classification: Uncertain significance. Last evaluated: 2024-07-19. Review status: criteria provided, single submitter. Criteria: Invitae Variant Classification Sherloc (09022015). Collection method: clinical testing. Allele origin: germline.
Comment: This sequence change creates a premature translational stop signal (p.Glu335Glyfs*16) in the ROM1 gene. While this is not anticipated to result in nonsense mediated decay, it is expected to disrupt the last 17 amino acid(s) of the ROM1 protein. This variant is not present in population databases (gnomAD no frequency). This variant has not been reported in the literature in individuals affected with ROM1-related conditions. Experimental studies and prediction algorithms are not available or were not evaluated, and the functional significance of this variant is currently unknown. In summary, the available evidence is currently insufficient to determine the role of this variant in disease. Therefore, it has been classified as a Variant of Uncertain Significance.

NM_000327.4(ROM1):c.1003dup (p.Glu335fs)

Gene: ROM1 (retinal outer segment membrane protein 1; plus strand). Cytogenetic location: 11q12.3.
Variant type: Duplication.
Coding change: c.1003dup on transcript NM_000327.4 (MANE Select); coding-DNA position 1003, one base duplicated (G; older notation c.1003dupG).
Protein change: p.Glu335fs; shifts the reading frame from glutamic acid 335.
Molecular consequence: frameshift variant.
Genome position (GRCh38, 1-based): chr11:62,614,786, G duplicated. VCF-style (leftmost placement, unchanged base first): chr11-62614785-T-TG. GRCh37 (hg19) VCF-style: chr11-62382257-T-TG.
Other names: short protein forms E335fs.
Identifiers: ClinVar variation 3676983 (VCV003676983.2).
Genomic context (GRCh38, chr11:62,614,785, plus strand): 5'-GCTGAAAGATATGCTGAAAACAGCATGGCTACAGGGAGGGGTTGCCTGCAGGCCAGCACC[T>TG]GAGGAGGCCCCACCAGGAGAAGCACCTCCCAAGGAGGATCTATCTGAGGCCTAGAGGCCT-3'